The following is an entry in ClinVar:

ClinVar aggregate classification (germline): Uncertain significance. Review status: criteria provided, multiple submitters, no conflicts (2 of 4 stars). 2 submissions from 2 submitters: Uncertain significance (2). Last evaluated 2026-07-11.

Conditions:
RDX-related disorder. Also called: RDX-related condition.

gnomAD v4.1: 20 of 1,613,884 alleles (0.0012%); highest among the groups gnomAD compares: Non-Finnish European, 0.0017%; no homozygotes.

Submissions (2):

PreventionGenetics, part of Exact Sciences
Classification: Uncertain significance for RDX-related condition. Last evaluated: 2026-07-11. Review status: criteria provided, single submitter. Criteria: ACMG Guidelines, 2015. Collection method: clinical testing. Allele origin: germline.
Comment: The RDX c.1540C>T variant is predicted to result in the amino acid substitution p.Arg514Cys. To our knowledge, this variant has not been reported in the literature or in a large population database (gnomAD), indicating this variant is rare. At this time, the clinical significance of this variant is uncertain due to the absence of conclusive functional and genetic evidence.

Blueprint Genetics
Classification: Uncertain significance. Last evaluated: 2022-08-03. Review status: criteria provided, single submitter. Criteria: ACMG Guidelines, 2015. Collection method: clinical testing. Allele origin: germline.

NM_002906.4(RDX):c.1540C>T (p.Arg514Cys)

Gene: RDX (radixin; minus strand). Cytogenetic location: 11q22.3.
Variant type: single nucleotide variant.
Coding change: c.1540C>T on transcript NM_002906.4 (MANE Select); coding-DNA position 1540, C replaced by T.
Protein change: p.Arg514Cys; replaces arginine 514 with cysteine.
Molecular consequence: missense variant. On other transcripts: intron variant (1).
Genome position (GRCh38, 1-based): chr11:110,233,284, G>A on the plus strand (C>T on the coding strand, the complement: RDX is on the minus strand). VCF-style: chr11-110233284-G-A. GRCh37 (hg19) VCF-style: chr11-110104009-G-A.
Other names: c.1540C>T, p.Arg514Cys (NM_001260493.2, NM_001440505.1, NM_001440506.1 and 3 more transcripts); c.1132C>T, p.Arg378Cys (NM_001260494.2); c.499C>T, p.Arg167Cys (NM_001260495.2); c.1726C>T, p.Arg576Cys (NM_001440509.1); c.1507C>T, p.Arg503Cys (NM_001440510.1, NM_001440511.1, NM_001440513.1 and 2 more transcripts); c.1561C>T, p.Arg521Cys (NM_001440512.1); c.1456C>T, p.Arg486Cys (NM_001440516.1); c.1444C>T, p.Arg482Cys (NM_001440517.1); and 2 more; short protein forms R482C, R503C, R167C, R521C, R486C, R514C, R576C, R378C.
Identifiers: ClinVar variation 4914024 (VCV004914024.2).